The following is an entry in ClinVar:

ClinVar aggregate classification (germline): Uncertain significance (1 of 4 stars; one submission).

Submission:

Labcorp Genetics (formerly Invitae), Labcorp
Classification: Uncertain significance. Last evaluated: 2022-06-02. Review status: criteria provided, single submitter. Criteria: Invitae Variant Classification Sherloc (09022015). Collection method: clinical testing. Allele origin: germline.
Comment: This variant is not present in population databases (gnomAD no frequency). This sequence change replaces threonine, which is neutral and polar, with proline, which is neutral and non-polar, at codon 2338 of the MYO18B protein (p.Thr2338Pro). This variant has not been reported in the literature in individuals affected with MYO18B-related conditions. Algorithms developed to predict the effect of missense changes on protein structure and function output the following: SIFT: "Not Available"; PolyPhen-2: "Benign"; Align-GVGD: "Not Available". The proline amino acid residue is found in multiple mammalian species, which suggests that this missense change does not adversely affect protein function. In summary, the available evidence is currently insufficient to determine the role of this variant in disease. Therefore, it has been classified as a Variant of Uncertain Significance.

NM_032608.7(MYO18B):c.7012A>C (p.Thr2338Pro)

Gene: MYO18B (myosin XVIIIB; plus strand). Cytogenetic location: 22q12.1.
Variant type: single nucleotide variant.
Coding change: c.7012A>C on transcript NM_032608.7 (MANE Select); coding-DNA position 7012, A replaced by C.
Protein change: p.Thr2338Pro; replaces threonine 2338 with proline.
Molecular consequence: missense variant.
Genome position (GRCh38, 1-based): chr22:26,026,986, A>C. VCF-style: chr22-26026986-A-C. GRCh37 (hg19) VCF-style: chr22-26422952-A-C.
Other names: c.7015A>C, p.Thr2339Pro (NM_001318245.2); short protein forms T2338P, T2339P.
Identifiers: ClinVar variation 2090702 (VCV002090702.4), dbSNP rs2518433147, ClinGen allele CA411011554.
Genomic context (GRCh38, chr22:26,026,986, plus strand): 5'-GGTGGTCTCTTGAGGTCCACCAGCCTCAAATGCATCTCTTCAGACGGTGTTGGGGGCACA[A>C]CCCTACTCCCCGAAAAGTCGAAAACCCAATTCAGTTCCTGCGAGTCCCTCTTAGAATCCA-3'
Protein context (NP_115997.5, residues 2328-2348): CISSDGVGGT[Thr2338Pro]LLPEKSKTQF